The following is an entry in ClinVar:

NM_080605.4(B3GALT6):c.107C>T (p.Pro36Leu)

Gene: B3GALT6 (beta-1,3-galactosyltransferase 6; plus strand). Cytogenetic location: 1p36.33.
Variant type: single nucleotide variant.
Coding change: c.107C>T on transcript NM_080605.4 (MANE Select); coding-DNA position 107, C replaced by T.
Protein change: p.Pro36Leu; replaces proline 36 with leucine.
Molecular consequence: missense variant.
Genome position (GRCh38, 1-based): chr1:1,232,385, C>T. VCF-style: chr1-1232385-C-T. GRCh37 (hg19) VCF-style: chr1-1167765-C-T.
Other names: p.Pro36Leu; short protein forms P36L.
Identifiers: ClinVar variation 392324 (VCV000392324.18), dbSNP rs568623476, ClinGen allele CA16603425.
Genomic context (GRCh38, chr1:1,232,385, plus strand): 5'-TGGGCACGCTGGCGCTGTGCGGGGCGGCGCTGCTCTACCTGGCGCGCTGCGCGGCCGAGC[C>T]CGGGGACCCCAGGGCGATGTCGGGCCGCAGCCCGCCTCCCCCCGCGCCCGCGCGCGCCGC-3'
Protein context (NP_542172.2, residues 26-46): LLYLARCAAE[Pro36Leu]GDPRAMSGRS

ClinVar aggregate classification (germline): Conflicting classifications of pathogenicity. Review status: criteria provided, conflicting classifications (1 of 4 stars). 6 submissions from 6 submitters: Uncertain significance (1); Likely benign (4). 1 of the submissions does not count toward it. Last evaluated 2026-01-05.

Conditions:
B3GALT6-related disorder. Also called: B3GALT6-related condition.
Ehlers-Danlos syndrome, spondylodysplastic type, 2 (EDSSPD2). Also called: Ehlers-Danlos syndrome, progeroid type, 2. Identifiers: Orphanet 536467, Orphanet 75496, MedGen C3809210, MONDO:0014139, OMIM 615349.
Spondyloepimetaphyseal dysplasia with joint laxity (SEMDJL). Identifiers: MedGen C0432243, MONDO:0019675.
Inborn genetic diseases. Identifiers: MedGen C0950123, MeSH D030342.

Allele frequency attached by ClinVar (database versions not stated): gnomAD exomes 0.00013; 1000 Genomes Project 0.00020; 1000 Genomes Project 30x 0.00141; gnomAD 0.00187 and 0.00202; TOPMed 0.00208.
gnomAD v4.1: 384 of 987,528 alleles (0.039%); highest among the groups gnomAD compares: African/African-American, 0.64%; no homozygotes.

Submissions (6):

Women's Health and Genetics/Laboratory Corporation of America, LabCorp
Classification: Likely benign. Last evaluated: 2026-01-05. Review status: criteria provided, single submitter. Criteria: LabCorp Variant Classification Summary - May 2015. Collection method: clinical testing. Allele origin: germline.
Comment: Variant summary: B3GALT6 c.107C>T (p.Pro36Leu) results in a non-conservative amino acid change in the encoded protein sequence. Algorithms developed to predict the effect of missense changes on protein structure and function are either unavailable or do not agree on the potential impact of this missense change. The variant allele was found at a frequency of 0.00039 in 987528 control chromosomes, predominantly at a frequency of 0.0064 within the African or African-American subpopulation in the gnomAD V4 database. The observed variant frequency within African or African-American control individuals in the gnomAD database exceeds the estimated maximal expected allele frequency for disease-causing variants in B3GALT6. To our knowledge, no occurrence of c.107C>T in individuals affected with B3GALT6-related conditions and no experimental evidence demonstrating its impact on protein function have been reported. ClinVar contains an entry for this variant (Variation ID: 392324). Based on the evidence outlined above, the variant was classified as likely benign.

Labcorp Genetics (formerly Invitae), Labcorp
Classification: Likely benign for Ehlers-Danlos syndrome, spondylodysplastic type, 2; Spondyloepimetaphyseal dysplasia with joint laxity. Last evaluated: 2025-12-28. Review status: criteria provided, single submitter. Criteria: Invitae Variant Classification Sherloc (09022015). Collection method: clinical testing. Allele origin: germline.

Mayo Clinic Laboratories, Mayo Clinic
Classification: Likely benign. Last evaluated: 2025-08-21. Review status: criteria provided, single submitter. Criteria: ACMG Guidelines, 2015. Collection method: clinical testing. Allele origin: germline. Observed: 2 variant alleles.
Comment: BS1, BP4

GeneDx
Classification: Likely benign. Last evaluated: 2021-06-07. Review status: criteria provided, single submitter. Criteria: GeneDx Variant Classification Process June 2021. Collection method: clinical testing. Allele origin: germline. Affected: yes.

Ambry Genetics
Classification: Uncertain significance for Inborn genetic diseases. Last evaluated: 2021-04-01. Review status: criteria provided, single submitter. Criteria: Ambry Variant Classification Scheme 2023. Collection method: clinical testing. Allele origin: germline.

PreventionGenetics, part of Exact Sciences
Classification: Likely benign for B3GALT6-related condition. Last evaluated: 2020-02-06. Review status: no assertion criteria provided. Collection method: clinical testing. Allele origin: germline. Not counted in ClinVar's aggregate classification.
Comment: This variant is classified as likely benign based on ACMG/AMP sequence variant interpretation guidelines (Richards et al. 2015 PMID: 25741868, with internal and published modifications).